The following is an entry in ClinVar:

ClinVar aggregate classification (germline): Likely benign (1 of 4 stars; one submission).

Allele frequency attached by ClinVar (database versions not stated): TOPMed below 0.00001; gnomAD 0.00001.
gnomAD v4.1: 1 of 1,598,678 alleles (0.000063%); highest among the groups gnomAD compares: Non-Finnish European, 0.000085%; no homozygotes.

Submission:

CeGaT Center for Human Genetics Tuebingen
Classification: Likely benign. Last evaluated: 2024-01-01. Review status: criteria provided, single submitter. Criteria: CeGaT Center For Human Genetics Tuebingen Variant Classification Criteria Version 2. Collection method: clinical testing. Allele origin: germline. Affected: yes. Observed: 1 variant allele.
Comment: CACNA1E: BP4, BP7

NM_001205293.3(CACNA1E):c.5316A>G (p.Ser1772=)

Gene: CACNA1E (calcium voltage-gated channel subunit alpha1 E; plus strand). Cytogenetic location: 1q25.3.
Variant type: single nucleotide variant.
Coding change: c.5316A>G on transcript NM_001205293.3 (MANE Select); coding-DNA position 5316, A replaced by G.
Protein change: p.Ser1772=; no amino-acid change (serine 1772 retained).
Molecular consequence: synonymous variant.
Genome position (GRCh38, 1-based): chr1:181,781,475, A>G. VCF-style: chr1-181781475-A-G. GRCh37 (hg19) VCF-style: chr1-181750611-A-G.
Other names: c.5316A>G, p.Ser1772= (NM_000721.4); c.5259A>G, p.Ser1753= (NM_001205294.2).
Identifiers: ClinVar variation 3026885 (VCV003026885.22), dbSNP rs1282095682, ClinGen allele CA422089459.
Genomic context (GRCh38, chr1:181,781,475, plus strand): 5'-CTCCATGAGCAGTGGCCGCATCCATTACACTGAGATGTATGAAATGCTGACTCTCATGTC[A>G]CCTCCGCTAGGCCTCGGCAAGAGATGTCCCTCCAAAGTGGCATATAAGGTAGACCACCCC-3'
Protein context (NP_001192222.1, residues 1762-1782): TEMYEMLTLM[Ser1772=]PPLGLGKRCP